The following is an entry in ClinVar:

NM_006158.5(NEFL):c.263C>A (p.Thr88Lys)

Gene: NEFL (neurofilament light chain; minus strand). Cytogenetic location: 8p21.2.
Variant type: single nucleotide variant.
Coding change: c.263C>A on transcript NM_006158.5 (MANE Select); coding-DNA position 263, C replaced by A.
Protein change: p.Thr88Lys; replaces threonine 88 with lysine.
Molecular consequence: missense variant.
Genome position (GRCh38, 1-based): chr8:24,956,253, G>T on the plus strand (C>A on the coding strand, the complement: NEFL is on the minus strand). VCF-style: chr8-24956253-G-T. GRCh37 (hg19) VCF-style: chr8-24813767-G-T.
Other names: short protein forms T88K.
Identifiers: ClinVar variation 2154888 (VCV002154888.4), dbSNP rs1005508337, ClinGen allele CA174061585.
Genomic context (GRCh38, chr8:24,956,253, plus strand): 5'-ACGCGCTCGATGAAGCTGGCGAAGCGGTCATTGAGGTCCTGGAGCTGCGCCTTCTCCTGC[G>T]TGCGGATGGACTTGAGGTCGTTGCTGATGGCGGCTACCTGGCTCAGGTCGAGGTTCTCCA-3'
Protein context (NP_006149.2, residues 78-98): AISNDLKSIR[Thr88Lys]QEKAQLQDLN

ClinVar aggregate classification (germline): Uncertain significance (1 of 4 stars; one submission).

Conditions:
Charcot-Marie-Tooth disease type 2E (CMT2E). Also called: CHARCOT-MARIE-TOOTH DISEASE, AXONAL, TYPE 2E; CHARCOT-MARIE-TOOTH NEUROPATHY, TYPE 2E. Identifiers: Orphanet 99939, MedGen C1843225, MONDO:0011894, OMIM 607684.

Allele frequency attached by ClinVar (database versions not stated): gnomAD 0.00001.

Submission:

Labcorp Genetics (formerly Invitae), Labcorp
Classification: Uncertain significance for Charcot-Marie-Tooth disease type 2E. Last evaluated: 2022-05-19. Review status: criteria provided, single submitter. Criteria: Invitae Variant Classification Sherloc (09022015). Collection method: clinical testing. Allele origin: germline.
Comment: Experimental studies and prediction algorithms are not available or were not evaluated, and the functional significance of this variant is currently unknown. This variant has not been reported in the literature in individuals affected with NEFL-related conditions. This variant is not present in population databases (gnomAD no frequency). This sequence change replaces threonine, which is neutral and polar, with lysine, which is basic and polar, at codon 88 of the NEFL protein (p.Thr88Lys). In summary, the available evidence is currently insufficient to determine the role of this variant in disease. Therefore, it has been classified as a Variant of Uncertain Significance.